The following is an entry in ClinVar:

ClinVar aggregate classification (germline): Likely pathogenic (1 of 4 stars; one submission).

Conditions:
Intellectual disability, autosomal recessive 53 (NEDHSCA). Also called: GLYCOSYLPHOSPHATIDYLINOSITOL BIOSYNTHESIS DEFECT 13; Mental retardation, autosomal recessive 53; NEURODEVELOPMENTAL DISORDER WITH OR WITHOUT HYPOTONIA, SEIZURES, AND CEREBELLAR ATROPHY. Identifiers: Orphanet 488635, MedGen C4310794, MONDO:0014832, OMIM 616917.

Allele frequency attached by ClinVar (database versions not stated): gnomAD exomes below 0.00001.
gnomAD v4.1: 1 of 1,613,106 alleles (0.000062%); highest among the groups gnomAD compares: Non-Finnish European, 0.000085%; no homozygotes.

Submission:

Labcorp Genetics (formerly Invitae), Labcorp
Classification: Likely pathogenic for Intellectual disability, autosomal recessive 53. Last evaluated: 2024-01-31. Review status: criteria provided, single submitter. Criteria: Invitae Variant Classification Sherloc (09022015). Collection method: clinical testing. Allele origin: germline.
Comment: This sequence change affects an acceptor splice site in intron 7 of the PIGG gene. It is expected to disrupt RNA splicing. Variants that disrupt the donor or acceptor splice site typically lead to a loss of protein function (PMID: 16199547), and loss-of-function variants in PIGG are known to be pathogenic (PMID: 26996948, 28581210, 28771251). This variant is not present in population databases (gnomAD no frequency). This variant has not been reported in the literature in individuals affected with PIGG-related conditions. Algorithms developed to predict the effect of sequence changes on RNA splicing suggest that this variant may disrupt the consensus splice site. In summary, the currently available evidence indicates that the variant is pathogenic, but additional data are needed to prove that conclusively. Therefore, this variant has been classified as Likely Pathogenic.

Literature cited by the submitters: PubMed 16199547; PubMed 26996948; PubMed 28581210; PubMed 28771251.

NM_001127178.3(PIGG):c.1333-1G>A

Gene: PIGG (phosphatidylinositol glycan anchor biosynthesis class G (EMM blood group); plus strand). Cytogenetic location: 4p16.3.
Variant type: single nucleotide variant.
Coding change: c.1333-1G>A on transcript NM_001127178.3 (MANE Select); the canonical splice acceptor site of the intron before coding-DNA position 1333, G replaced by A.
Molecular consequence: splice acceptor variant.
Genome position (GRCh38, 1-based): chr4:521,659, G>A. VCF-style: chr4-521659-G-A. GRCh37 (hg19) VCF-style: chr4-515448-G-A.
Other names: c.235-1G>A (NM_001345994.2); c.1066-1G>A (NM_001345986.2, NM_001289051.2, NM_001289053.2); c.1042-1G>A (NM_001345987.2); c.-201-1G>A (NM_001345991.2, NM_001345990.2); c.304-1G>A (NM_001345988.2); c.1309-1G>A (NM_017733.5); c.934-1G>A (NM_001289052.2); c.848-1G>A (NM_001289057.2); and 2 more.
Identifiers: ClinVar variation 2753431 (VCV002753431.3), dbSNP rs2474888950, ClinGen allele CA355904294.